The following is an entry in ClinVar:

NM_001128178.3(NPHP1):c.1672T>C (p.Phe558Leu)

Gene: NPHP1 (nephrocystin 1; minus strand). Cytogenetic location: 2q13.
Variant type: single nucleotide variant.
Coding change: c.1672T>C on transcript NM_001128178.3 (MANE Select); coding-DNA position 1672, T replaced by C.
Protein change: p.Phe558Leu; replaces phenylalanine 558 with leucine.
Molecular consequence: missense variant.
Genome position (GRCh38, 1-based): chr2:110,129,230, A>G on the plus strand (T>C on the coding strand, the complement: NPHP1 is on the minus strand). VCF-style: chr2-110129230-A-G. GRCh37 (hg19) VCF-style: chr2-110886807-A-G.
Other names: p.Phe614Leu; c.1840T>C, p.Phe614Leu (NM_000272.5); c.1483T>C, p.Phe495Leu (NM_001128179.3); c.1669T>C, p.Phe557Leu (NM_001374256.1); c.1672T>C, p.Phe558Leu (NM_001374257.1); c.1837T>C, p.Phe613Leu (NM_207181.4); c.1840T>C (NM_000272.4); short protein forms F495L, F557L, F558L, F613L, F614L.
Identifiers: ClinVar variation 1391649 (VCV001391649.7), dbSNP rs2104428780, ClinGen allele CA348086859.

ClinVar aggregate classification (germline): Uncertain significance. Review status: criteria provided, multiple submitters, no conflicts (2 of 4 stars). 2 submissions from 2 submitters: Uncertain significance (2). Last evaluated 2025-11-23.

Conditions:
Nephronophthisis. Also called: Juvenile Nephronophthisis. Identifiers: Orphanet 655, MedGen C0687120, MONDO:0019005, HP:0000090.

Submissions (2):

Mayo Clinic Laboratories, Mayo Clinic
Classification: Uncertain significance. Last evaluated: 2025-11-23. Review status: criteria provided, single submitter. Criteria: ACMG Guidelines, 2015. Collection method: clinical testing. Allele origin: germline. Observed: 1 variant allele.
Comment: PP3_moderate, PM2_supporting

Labcorp Genetics (formerly Invitae), Labcorp
Classification: Uncertain significance for Nephronophthisis. Last evaluated: 2021-11-06. Review status: criteria provided, single submitter. Criteria: Invitae Variant Classification Sherloc (09022015). Collection method: clinical testing. Allele origin: germline.
Comment: In summary, the available evidence is currently insufficient to determine the role of this variant in disease. Therefore, it has been classified as a Variant of Uncertain Significance. Algorithms developed to predict the effect of missense changes on protein structure and function are either unavailable or do not agree on the potential impact of this missense change (SIFT: "Deleterious"; PolyPhen-2: "Probably Damaging"; Align-GVGD: "Class C0"). This variant has not been reported in the literature in individuals affected with NPHP1-related conditions. This variant is not present in population databases (gnomAD no frequency). This sequence change replaces phenylalanine, which is neutral and non-polar, with leucine, which is neutral and non-polar, at codon 614 of the NPHP1 protein (p.Phe614Leu).